The following is an entry in ClinVar:

ClinVar aggregate classification (germline): Likely pathogenic. Review status: criteria provided, multiple submitters, no conflicts (2 of 4 stars). 2 submissions from 2 submitters: Likely pathogenic (2). Last evaluated 2023-12-01.

Conditions:
Nephrotic syndrome, type 4 (NPHS4). Also called: Familial mesangial sclerosis; Nephrotic syndrome, early onset with diffuse mesangial sclerosis. Identifiers: Orphanet 656, MedGen C3151568, MONDO:0009733, OMIM 256370.
Meacham syndrome. Also called: Meacham Winn Culler syndrome. Identifiers: Orphanet 3097, MedGen C1837026, MONDO:0012164, OMIM 608978.
Drash syndrome (DDS). Also called: NEPHROPATHY, WILMS TUMOR, AND GENITAL ANOMALIES; WILMS TUMOR AND PSEUDO- OR TRUE HERMAPHRODITISM. Identifiers: Orphanet 220, MedGen C0950121, MONDO:0008682, OMIM 194080.
Frasier syndrome. Identifiers: Orphanet 347, MedGen C0950122, MeSH D052159, MONDO:0007635, OMIM 136680.

Submissions (2):

Precision Medicine Center, Zhengzhou University
Classification: Likely pathogenic for Nephrotic syndrome, type 4. Last evaluated: 2023-12-01. Review status: criteria provided, single submitter. Criteria: ACMG Guidelines, 2015. Collection method: clinical testing. Allele origin: de novo. Affected: yes.
Comment: PS2,PM2_p,PP3

Molecular Genetics Department, Kulakov National Medical Research Center for Obstetrics, Gynecology and Perinatology
Classification: Likely pathogenic for Drash syndrome; Frasier syndrome; Meacham syndrome; Nephrotic syndrome, type 4. Review status: criteria provided, single submitter. Criteria: ACMG Guidelines, 2015. Collection method: clinical testing. Allele origin: germline. Affected: yes.
Comment: A previously undescribed nucleotide variant creates a premature translation stop signal p.Gln462Ter in the WT1 gene. Loss-of-function variants are reported in patients with Denys-Drash syndrome, 194080, Frasier syndrome, 136680, Meacham syndrome, 608978, Nephrotic syndrome, type 4, 256370, Wilms tumor, type 1, 194070. The variant is not present in population database (gnomAD no frequency). In summary, the currently available evidence indicates that the variant is pathogenic, but additional data are needed to prove that conclusively. Therefore, this variant has been classified as likely pathogenic.

Literature cited by the submitters: PubMed 18516627 (cited by Precision Medicine Center, Zhengzhou University).

NM_024426.6(WT1):c.1384C>T (p.Gln462Ter)

Gene: WT1 (WT1 transcription factor; minus strand). Cytogenetic location: 11p13.
Variant type: single nucleotide variant.
Coding change: c.1384C>T on transcript NM_024426.6 (MANE Select); coding-DNA position 1384, C replaced by T.
Protein change: p.Gln462Ter; replaces glutamine 462 with a stop codon.
Molecular consequence: nonsense. On other transcripts: non-coding transcript variant (2), intron variant (2).
Genome position (GRCh38, 1-based): chr11:32,392,035, G>A on the plus strand (C>T on the coding strand, the complement: WT1 is on the minus strand). VCF-style: chr11-32392035-G-A. GRCh37 (hg19) VCF-style: chr11-32413581-G-A.
Other names: c.1333C>T, p.Gln445Ter (NM_000378.6, NM_001407045.1); c.733C>T, p.Gln245Ter (NM_001198551.2); c.682C>T, p.Gln228Ter (NM_001198552.2); c.196C>T, p.Gln66Ter (NM_001367854.1); c.1378C>T, p.Gln460Ter (NM_001407044.1); c.1303+631C>T (NM_001407049.1); c.1354+631C>T (NM_001407046.1); c.622C>T, p.Gln208Ter (NM_001407051.1); and 5 more; short protein forms Q208*, Q228*, Q245*, Q404*, Q415*, Q421*, Q440*, Q445*.
Identifiers: ClinVar variation 2681776 (VCV002681776.3), dbSNP rs2132914929, ClinGen allele CA379958911.
Genomic context (GRCh38, chr11:32,392,035, plus strand): 5'-TTTTACCTGTATGAGTCCTGGTGTGGGTCTTCAGGTGGTCGGACCGGGAGAACTTTCGCT[G>A]ACAAGTTTTACACTGGAATGGTTTCACACCTAAATGGACAGAGAAGGTCTAGCCTCGGCC-3'